The following is an entry in ClinVar:

NM_000023.4(SGCA):c.292C>T (p.Arg98Cys)

Gene: SGCA (sarcoglycan alpha; plus strand). Cytogenetic location: 17q21.33.
Variant type: single nucleotide variant.
Coding change: c.292C>T on transcript NM_000023.4 (MANE Select); coding-DNA position 292, C replaced by T.
Protein change: p.Arg98Cys; replaces arginine 98 with cysteine.
Molecular consequence: missense variant. On other transcripts: non-coding transcript variant (1).
Genome position (GRCh38, 1-based): chr17:50,167,716, C>T. VCF-style: chr17-50167716-C-T. GRCh37 (hg19) VCF-style: chr17-48245077-C-T.
Other names: NM_000023.4(SGCA):c.292C>T; c.292C>T, p.Arg98Cys (NM_001135697.3); c.292C>T (NM_000023.3); short protein forms R98C.
Identifiers: ClinVar variation 284708 (VCV000284708.28), dbSNP rs138945081, ClinGen allele CA8643744.

ClinVar aggregate classification (germline): Pathogenic. Review status: reviewed by expert panel (3 of 4 stars). 12 submissions from 12 submitters: Pathogenic (1). 11 of the submissions do not count toward it. Last evaluated 2026-04-29.

Conditions:
Muscular dystrophy. Identifiers: Orphanet 98473, MedGen C0026850, MeSH D009136, MONDO:0020121, HP:0003560.
Autosomal recessive limb-girdle muscular dystrophy. Identifiers: Orphanet 102015, MedGen C2931907, MONDO:0015152.
SGCA-related disorder. Also called: SGCA-related condition.
Autosomal recessive limb-girdle muscular dystrophy type 2D (LGMDR3). Also called: ADHALINOPATHY, PRIMARY; DUCHENNE-LIKE AUTOSOMAL RECESSIVE MUSCULAR DYSTROPHY, TYPE 2; MUSCULAR DYSTROPHY, LIMB-GIRDLE, AUTOSOMAL RECESSIVE 3. Identifiers: Orphanet 62, MedGen C2936332, MONDO:0011968, OMIM 608099. Disease mechanism: Affects gamma-sarcoglycan and also disrupts the integrity of the entire sarcoglycan complex..

Allele frequency attached by ClinVar (database versions not stated): 1000 Genomes Project 0.00020; 1000 Genomes Project 30x 0.00031; gnomAD 0.00014 and 0.00013; TOPMed 0.00014; ESP Exome Variant Server 0.00015; ExAC 0.00003; gnomAD exomes 0.00003.
gnomAD v4.1: 44 of 1,611,858 alleles (0.0027%); highest among the groups gnomAD compares: African/African-American, 0.056%; no homozygotes.

Submissions (12):

ClinGen Limb Girdle Muscular Dystrophy Variant Curation Expert Panel, ClinGen
Classification: Pathogenic for Autosomal recessive limb-girdle muscular dystrophy. Last evaluated: 2026-04-29. Review status: reviewed by expert panel. Criteria: ClinGen LGMD VCEP ACMG Specifications SGCA V2.0.0. Collection method: curation. Allele origin: germline. Inheritance: Autosomal recessive inheritance.
Comment: The NM_000023.4: c.292C>T variant in SGCA is a missense variant predicted to cause substitution of arginine by cysteine at amino acid 98, p.(Arg98Cys). This variant has been detected in at least five individuals with limb-girdle muscular dystrophy (PMID: 17994539, 39678382, 30564623, 7668821). Of those individuals, one was confirmed compound heterozygous for the variant and a second pathogenic variant (c.293G>A p.(Arg98His), 1.0 pt, PMID: 7668821), and two were presumed compound heterozygous (phase not confirmed) for the variant and a second pathogenic variant (c.271G>A p.(Gly91Ser), 0.5 pts, PMID: 17994539; c.850C>T p.(Arg284Cys), 0.5 pts, PMID: 39678382). Another two individuals were homozygous without reported consanguinity (0.5 pts x2, PMID: 30564623, 39678382, LOVD Individual #00221203) (PM3_Strong). At least one patient with this variant and a second presumed diagnostic SGCA variant displayed progressive limb girdle muscle weakness and absent alpha-sarcoglycan protein expression in skeletal muscle, which is highly specific for SGCA-related LGMD (PP4_Strong; PMID: 17994539). It has also been shown to segregate with autosomal recessive limb girdle muscular dystrophy in two affected individuals from one family (PP1; PMID: 17994539). The upper bound of the 95% confidence interval of the Grpmax variant allele frequency in gnomAD v4.1.1 is 0.0007244 (42/74988 African/African-American alleles), which is higher than the LGMD VCEP threshold (<0.00009) for PM2_Supporting, and therefore does not meet this criterion. An in vitro assay in a heterologous cell system has demonstrated that this variant disrupts membrane localization of the sarcoglycan complex, indicating disruption of protein function (PS3_Moderate, Washington University internal data). The computational predictor REVEL gives a score of 0.659, which is below the threshold of 0.7 (PP3 not met). In summary, this variant meets the criteria to be classified as Pathogenic for autosomal recessive limb girdle muscular dystrophy based on the ACMG/AMP criteria applied, as specified by the ClinGen LGMD VCEP (LGMD VCEP specifications version 2.0.0; 04/29/2026): PM3_Strong, PP4_Strong, PP1, PS3_Moderate.

Labcorp Genetics (formerly Invitae), Labcorp
Classification: Pathogenic for Autosomal recessive limb-girdle muscular dystrophy type 2D. Last evaluated: 2025-12-11. Review status: criteria provided, single submitter. Criteria: Invitae Variant Classification Sherloc (09022015). Collection method: clinical testing. Allele origin: germline. Not counted in ClinVar's aggregate classification.
Comment: This sequence change replaces arginine, which is basic and polar, with cysteine, which is neutral and slightly polar, at codon 98 of the SGCA protein (p.Arg98Cys). This variant is present in population databases (rs138945081, gnomAD 0.04%). This missense change has been observed in individual(s) with clinical features of SGCA-related conditions (PMID: 7668821, 9032047, 30107846, 30764848). In at least one individual the data is consistent with being in trans (on the opposite chromosome) from a pathogenic variant. ClinVar contains an entry for this variant (Variation ID: 284708). Invitae Evidence Modeling of protein sequence and biophysical properties (such as structural, functional, and spatial information, amino acid conservation, physicochemical variation, residue mobility, and thermodynamic stability) indicates that this missense variant is expected to disrupt SGCA protein function with a positive predictive value of 95%. This variant disrupts the p.Arg98 amino acid residue in SGCA. Other variant(s) that disrupt this residue have been determined to be pathogenic (PMID: 7668821, 8069911, 9192266, 12746421, 22095924, 27120200). This suggests that this residue is clinically significant, and that variants that disrupt this residue are likely to be disease-causing. For these reasons, this variant has been classified as Pathogenic.

PreventionGenetics, part of Exact Sciences
Classification: Pathogenic for SGCA-related condition. Last evaluated: 2025-11-19. Review status: criteria provided, single submitter. Criteria: ACMG Guidelines, 2015. Collection method: clinical testing. Allele origin: germline. Not counted in ClinVar's aggregate classification.
Comment: The SGCA c.292C>T variant is predicted to result in the amino acid substitution p.Arg98Cys. This variant has been reported in the compound heterozygous or homozygous state in many individuals with SGCA-related muscular dystrophy (Ljunggren et al. 1995. PubMed ID: 7668821; Guglieri et al. 2008. PubMed ID: 17994539; Wang et al. 2018. PubMed ID: 30107846; Xie et al. 2019. PubMed ID: 30764848; Mahfouz et al. 2020. PubMed ID: 32382396). This variant is reported in 0.041% of alleles in individuals of African descent in (gnomAD). Different nucleotide substitutions affecting the same amino acid (p.Arg98His, p.Arg98Ser) have been reported in individuals with limb-girdle muscular dystrophy (Ljunggren et al. 1995. PubMed ID: 7668821; Klinge et al. 2008. PubMed ID: 18996010). Taken together, the c.292C>T (p.Arg98Cys) variant is interpreted as pathogenic.

Natera, Inc.
Classification: Pathogenic for Limb-girdle muscular dystrophy type 2D. Last evaluated: 2025-02-27. Review status: criteria provided, single submitter. Criteria: Natera Variant Classification Schema (03/2026). Collection method: clinical testing. Allele origin: germline. Not counted in ClinVar's aggregate classification.
Comment: The c.292C>T variant in SGCA is a missense variant predicted to cause substitution of arginine to cysteine at amino acid 98. This variant is rare in the general population with a frequency below the threshold expected for the associated phenotype(s). This variant has been observed in one or more individuals affected with the associated recessive disease, as either homozygous or compound heterozygous with a second variant (PMID: 30764848, 7668821, 17994539). Additionally, this variant has been observed to segregate in affected family members (PMID: 17994539). A different variant at the same position has been determined to be Pathogenic or Likely Pathogenic. Computational prediction algorithms indicate this variant is likely to affect gene or protein function. Given the available evidence, this variant is classified as Pathogenic.

GeneDx
Classification: Likely pathogenic. Last evaluated: 2024-12-30. Review status: criteria provided, single submitter. Criteria: GeneDx Variant Classification Process June 2021. Collection method: clinical testing. Allele origin: germline. Affected: yes. Not counted in ClinVar's aggregate classification.
Comment: In silico analysis indicates that this missense variant does not alter protein structure/function; This variant is associated with the following publications: (PMID: 24742800, 25525159, 7668821, 19781108, 11909544, 17994539, 9032047, 30564623, 32382396, 26404900, 30107846, 30764848, 28403181, 30665703)

Dubai Health Genomic Medicine Center, Dubai Health
Classification: Pathogenic for Muscular dystrophy. Last evaluated: 2024-10-04. Review status: criteria provided, single submitter. Criteria: ACMG Guidelines, 2015. Collection method: research. Allele origin: germline. Affected: yes. Not counted in ClinVar's aggregate classification.
Comment: PM3(strong),PM2,PP3,PM5,PM1

Women's Health and Genetics/Laboratory Corporation of America, LabCorp
Classification: Pathogenic for Autosomal recessive limb-girdle muscular dystrophy. Last evaluated: 2024-07-31. Review status: criteria provided, single submitter. Criteria: LabCorp Variant Classification Summary - May 2015. Collection method: clinical testing. Allele origin: germline. Not counted in ClinVar's aggregate classification.
Comment: Variant summary: SGCA c.292C>T (p.Arg98Cys) results in a non-conservative amino acid change located in the Dystroglycan-type cadherin-like domain (IPR006644) of the encoded protein sequence. Four of five in-silico tools predict a damaging effect of the variant on protein function. The variant allele was found at a frequency of 2.8e-05 in 247066 control chromosomes. c.292C>T has been reported in the literature in individuals affected with Limb-Girdle Muscular Dystrophy, Autosomal Recessive as a compound heterozygous phenotype (e.g. Magri_2015) or in at least one homozygous individual with clinical features of Limb-Girdle Muscular Dystrophy in a setting of clinical exome sequencing (e.g. Mahfouz_2020). These data indicate that the variant is likely to be associated with disease. A different variant affecting the same codon has been classified as pathogenic by our lab (c.293G>A, p.Arg98His), supporting the critical relevance of codon 98 to SGCA protein function. To our knowledge, no experimental evidence demonstrating an impact on protein function has been reported. The following publications have been ascertained in the context of this evaluation (PMID: 26404900, 32382396). ClinVar contains an entry for this variant (Variation ID: 284708). Based on the evidence outlined above, the variant was classified as pathogenic.

Dasa
Classification: Likely pathogenic. Last evaluated: 2024-07-24. Review status: criteria provided, single submitter. Criteria: DASA Assertion Criteria. Collection method: clinical testing. Allele origin: germline. Not counted in ClinVar's aggregate classification.
Comment: NM_000023.4(SGCA):c.292C>T (p.Arg98Cys) is a missense variant that results in the substitution of arginine with cysteine. The affected residue or protein region has prior evidence supporting clinical relevance. This variant has been recurrently observed in individuals with SGCA-related disorders (PMID: 7668821; PMID: 30107846). Also, this variant is rare in population databases. Computational evidence supports a deleterious effect. Based on the currently available evidence, this variant is classified as likely pathogenic.

Revvity Omics, Revvity
Classification: Pathogenic for Autosomal recessive limb-girdle muscular dystrophy type 2D. Last evaluated: 2024-03-28. Review status: criteria provided, single submitter. Criteria: ACMG Guidelines, 2015. Collection method: clinical testing. Allele origin: germline. Not counted in ClinVar's aggregate classification.

Genome-Nilou Lab
Classification: Likely pathogenic for Autosomal recessive limb-girdle muscular dystrophy type 2D. Last evaluated: 2023-02-08. Review status: criteria provided, single submitter. Criteria: ACMG Guidelines, 2015. Collection method: clinical testing. Allele origin: germline. Not counted in ClinVar's aggregate classification.

Eurofins Ntd Llc (ga)
Classification: Pathogenic. Last evaluated: 2018-06-12. Review status: criteria provided, single submitter. Criteria: EGL ClinVar v180209 classification definitions. Collection method: clinical testing. Allele origin: germline. Observed: 5 variant alleles, 4 heterozygotes, 1 homozygote. Not counted in ClinVar's aggregate classification.

Counsyl
Classification: Likely pathogenic for Autosomal recessive limb-girdle muscular dystrophy type 2D. Last evaluated: 2018-02-08. Review status: no assertion criteria provided. Collection method: clinical testing. Allele origin: unknown. Not counted in ClinVar's aggregate classification.

Literature cited by the submitters: PubMed 7668821 (cited by 4 submitters); PubMed 9032047 (cited by 3 submitters); PubMed 30107846 (cited by Labcorp Genetics (formerly Invitae), Labcorp and Dasa); PubMed 30764848 (cited by Labcorp Genetics (formerly Invitae), Labcorp and Natera, Inc.); PubMed 8069911 (cited by Labcorp Genetics (formerly Invitae), Labcorp); PubMed 9192266 (cited by Labcorp Genetics (formerly Invitae), Labcorp); PubMed 12746421 (cited by Labcorp Genetics (formerly Invitae), Labcorp); PubMed 22095924 (cited by Labcorp Genetics (formerly Invitae), Labcorp); PubMed 27120200 (cited by Labcorp Genetics (formerly Invitae), Labcorp); PubMed 17994539 (cited by Natera, Inc. and Counsyl); PubMed 26404900 (cited by Women's Health and Genetics/Laboratory Corporation of America, LabCorp); PubMed 32382396 (cited by Women's Health and Genetics/Laboratory Corporation of America, LabCorp); PubMed 28403181 (cited by Counsyl).